The following is an entry in ClinVar:

NM_006648.4(WNK2):c.5450G>C (p.Arg1817Thr)

Gene: WNK2 (WNK lysine deficient protein kinase 2; plus strand). Cytogenetic location: 9q22.31.
Variant type: single nucleotide variant.
Coding change: c.5450G>C on transcript NM_006648.4 (MANE Select); coding-DNA position 5450, G replaced by C.
Protein change: p.Arg1817Thr; replaces arginine 1817 with threonine.
Molecular consequence: missense variant.
Genome position (GRCh38, 1-based): chr9:93,292,915, G>C. VCF-style: chr9-93292915-G-C. GRCh37 (hg19) VCF-style: chr9-96055197-G-C.
Other names: c.5561G>C, p.Arg1854Thr (NM_001282394.3); short protein forms R1854T, R1817T.
Identifiers: ClinVar variation 4201612 (VCV004201612.1).

ClinVar aggregate classification (germline): Uncertain significance (1 of 4 stars; one submission).

Submission:

Ambry Genetics
Classification: Uncertain significance. Last evaluated: 2025-07-12. Review status: criteria provided, single submitter. Criteria: Ambry Variant Classification Scheme 2023. Collection method: clinical testing. Allele origin: germline.
Comment: The p.R1817T variant (also known as c.5450G>C), located in coding exon 22 of the WNK2 gene, results from a G to C substitution at nucleotide position 5450. The arginine at codon 1817 is replaced by threonine, an amino acid with similar properties. This amino acid position is conserved. In addition, this alteration is predicted to be tolerated by in silico analysis. Based on the available evidence, the clinical significance of this variant remains unclear.